The following is an entry in ClinVar:

NM_000059.4(BRCA2):c.3623T>C (p.Leu1208Ser)

Gene: BRCA2 (BRCA2 DNA repair associated; plus strand). Cytogenetic location: 13q13.1.
Variant type: single nucleotide variant.
Coding change: c.3623T>C on transcript NM_000059.4 (MANE Select); coding-DNA position 3623, T replaced by C.
Protein change: p.Leu1208Ser; replaces leucine 1208 with serine.
Molecular consequence: missense variant.
Genome position (GRCh38, 1-based): chr13:32,337,978, T>C. VCF-style: chr13-32337978-T-C. GRCh37 (hg19) VCF-style: chr13-32912115-T-C.
Other names: short protein forms L1208S.
Identifiers: ClinVar variation 480885 (VCV000480885.8), dbSNP rs1555283314, ClinGen allele CA387777585.
Genomic context (GRCh38, chr13:32,337,978, plus strand): 5'-TTAAACGGAAGTTTGCTGGCCTGTTGAAAAATGACTGTAACAAAAGTGCTTCTGGTTATT[T>C]AACAGATGAAAATGAAGTGGGGTTTAGGGGCTTTTATTCTGCTCATGGCACAAAACTGAA-3'
Protein context (NP_000050.3, residues 1198-1218): NDCNKSASGY[Leu1208Ser]TDENEVGFRG

ClinVar aggregate classification (germline): Conflicting classifications of pathogenicity. Review status: criteria provided, conflicting classifications (1 of 4 stars). 3 submissions from 3 submitters: Uncertain significance (2); Likely benign (1). Last evaluated 2025-02-06.

Conditions:
Hereditary cancer-predisposing syndrome. Also called: Hereditary Cancer Syndrome; Neoplastic Syndromes, Hereditary; Tumor predisposition; Hereditary neoplastic syndrome. Identifiers: Orphanet 140162, MedGen C0027672, MeSH D009386, MONDO:0015356.
Hereditary breast ovarian cancer syndrome. Also called: Hereditary breast and ovarian cancer syndrome; Hereditary breast and ovarian cancer; Hereditary breast and ovarian cancer syndrome (HBOC); Breast and ovarian cancer; Hereditary breast and/or ovarian cancer syndrome; BRCA1- and BRCA2-Associated Hereditary Breast and Ovarian Cancer. Identifiers: Orphanet 145, MedGen C0677776, MeSH D061325, MONDO:0003582. Disease mechanism: loss of function.

Submissions (3):

Labcorp Genetics (formerly Invitae), Labcorp
Classification: Uncertain significance for Hereditary breast ovarian cancer syndrome. Last evaluated: 2025-02-06. Review status: criteria provided, single submitter. Criteria: Invitae Variant Classification Sherloc (09022015). Collection method: clinical testing. Allele origin: germline.
Comment: This sequence change replaces leucine, which is neutral and non-polar, with serine, which is neutral and polar, at codon 1208 of the BRCA2 protein (p.Leu1208Ser). This variant is not present in population databases (gnomAD no frequency). This variant has not been reported in the literature in individuals affected with BRCA2-related conditions. ClinVar contains an entry for this variant (Variation ID: 480885). Invitae Evidence Modeling of protein sequence and biophysical properties (such as structural, functional, and spatial information, amino acid conservation, physicochemical variation, residue mobility, and thermodynamic stability) indicates that this missense variant is not expected to disrupt BRCA2 protein function with a negative predictive value of 95%. In summary, the available evidence is currently insufficient to determine the role of this variant in disease. Therefore, it has been classified as a Variant of Uncertain Significance.

University of Washington Department of Laboratory Medicine, University of Washington
Classification: Likely benign for Hereditary cancer-predisposing syndrome. Last evaluated: 2023-03-23. Review status: criteria provided, single submitter. Criteria: Dines et al. (Genet Med. 2020). Collection method: curation. Allele origin: germline.
Comment: Missense variant in a coldspot region where missense variants are very unlikely to be pathogenic (PMID:31911673).

BRCA2 exon 11 coldspot. Reclassification based on statistical prior probability.

Ambry Genetics
Classification: Uncertain significance for Hereditary cancer-predisposing syndrome. Last evaluated: 2017-08-30. Review status: criteria provided, single submitter. Criteria: Ambry Variant Classification Scheme 2023. Collection method: clinical testing. Allele origin: germline.
Comment: The p.L1208S variant (also known as c.3623T>C), located in coding exon 10 of the BRCA2 gene, results from a T to C substitution at nucleotide position 3623. The leucine at codon 1208 is replaced by serine, an amino acid with dissimilar properties. This amino acid position is not well conserved in available vertebrate species. In addition, this alteration is predicted to be tolerated by in silico analysis. Since supporting evidence is limited at this time, the clinical significance of this alteration remains unclear.